The following is an entry in ClinVar:

NM_001844.5(COL2A1):c.4317+2T>G

Gene: COL2A1 (collagen type II alpha 1 chain; minus strand). Cytogenetic location: 12q13.11.
Variant type: single nucleotide variant.
Coding change: c.4317+2T>G on transcript NM_001844.5 (MANE Select); the canonical splice donor site of the intron after coding-DNA position 4317, T replaced by G.
Molecular consequence: splice donor variant.
Genome position (GRCh38, 1-based): chr12:47,974,087, A>C on the plus strand (T>G on the coding strand, the complement: COL2A1 is on the minus strand). VCF-style: chr12-47974087-A-C. GRCh37 (hg19) VCF-style: chr12-48367870-A-C.
Other names: c.4110+2T>G (NM_033150.3).
Identifiers: ClinVar variation 1365185 (VCV001365185.8), dbSNP rs2136504658, ClinGen allele CA384533385.

ClinVar aggregate classification (germline): Pathogenic (1 of 4 stars; one submission).

Submission:

Labcorp Genetics (formerly Invitae), Labcorp
Classification: Pathogenic. Last evaluated: 2021-05-28. Review status: criteria provided, single submitter. Criteria: Invitae Variant Classification Sherloc (09022015). Collection method: clinical testing. Allele origin: germline.
Comment: This variant has been observed in individual(s) with clinical features of Stickler syndrome (Invitae). This variant is not present in population databases (ExAC no frequency). This sequence change affects a donor splice site in intron 53 of the COL2A1 gene. While this variant is not anticipated to result in nonsense mediated decay, it likely alters RNA splicing and results in a disrupted protein product. Nucleotide substitutions within the consensus splice site are a relatively common cause of aberrant splicing (PMID: 17576681, 9536098). Algorithms developed to predict the effect of sequence changes on RNA splicing suggest that this variant may disrupt the consensus splice site, but this prediction has not been confirmed by published transcriptional studies. For these reasons, this variant has been classified as Pathogenic. This variant disrupts the C-terminus of the COL2A1 protein. Other variant(s) that disrupt this region (p.Lys1444Asnfs*27) have been determined to be pathogenic (PMID: 23545312). This suggests that variants that disrupt this region of the protein are likely to be causative of disease.

Literature cited by the submitters: PubMed 17576681; PubMed 9536098; PubMed 23545312.